The following is an entry in ClinVar:

NM_001256012.3(MYH10):c.3599G>A (p.Arg1200His)

Gene: MYH10 (myosin heavy chain 10; minus strand). Cytogenetic location: 17p13.1.
Variant type: single nucleotide variant.
Coding change: c.3599G>A on transcript NM_001256012.3 (MANE Select); coding-DNA position 3599, G replaced by A.
Protein change: p.Arg1200His; replaces arginine 1200 with histidine.
Molecular consequence: missense variant.
Genome position (GRCh38, 1-based): chr17:8,504,694, C>T on the plus strand (G>A on the coding strand, the complement: MYH10 is on the minus strand). VCF-style: chr17-8504694-C-T. GRCh37 (hg19) VCF-style: chr17-8408012-C-T.
Other names: c.3533G>A, p.Arg1178His (NM_001256095.2); c.3536G>A, p.Arg1179His (NM_001375266.1); c.3506G>A, p.Arg1169His (NM_005964.5); short protein forms R1169H, R1178H, R1179H, R1200H.
Identifiers: ClinVar variation 4883407 (VCV004883407.2).

ClinVar aggregate classification (germline): Uncertain significance (1 of 4 stars; one submission).

Conditions:
Complex neurodevelopmental disorder with or without congenital anomalies. Identifiers: MedGen CN315647, MONDO:0100465.

gnomAD v4.1: 1 of 1,613,708 alleles (0.000062%); highest among the groups gnomAD compares: Non-Finnish European, 0.000085%; no homozygotes.

Submission:

Dasa
Classification: Uncertain significance for complex neurodevelopmental disorder with or without congenital anomalies. Last evaluated: 2026-01-20. Review status: criteria provided, single submitter. Criteria: DASA Assertion Criteria. Collection method: clinical testing. Allele origin: germline.
Comment: NM_001256012.3(MYH10):c.3599G>A (p.Arg1200His) is a missense variant that results in the substitution of arginine with histidine. This variant is rare in population databases. Computational prediction algorithms are consistent with a deleterious effect. The currently available literature and clinical evidence are not sufficient to establish a definitive association between this variant and the reported condition. Therefore, this variant is classified as a variant of uncertain significance.